The following is an entry in ClinVar:

NM_172364.5(CACNA2D4):c.2765A>T (p.Gln922Leu)

Gene: CACNA2D4 (calcium voltage-gated channel auxiliary subunit alpha2delta 4; minus strand). Cytogenetic location: 12p13.33.
Variant type: single nucleotide variant.
Coding change: c.2765A>T on transcript NM_172364.5 (MANE Select); coding-DNA position 2765, A replaced by T.
Protein change: p.Gln922Leu; replaces glutamine 922 with leucine.
Molecular consequence: missense variant.
Genome position (GRCh38, 1-based): chr12:1,801,601, T>A on the plus strand (A>T on the coding strand, the complement: CACNA2D4 is on the minus strand). VCF-style: chr12-1801601-T-A. GRCh37 (hg19) VCF-style: chr12-1910767-T-A.
Other names: short protein forms Q922L.
Identifiers: ClinVar variation 4713526 (VCV004713526.1).
Genomic context (GRCh38, chr12:1,801,601, plus strand): 5'-TATTTGGACTGGGGAGGAGTGTGCCCCACTTACTGGCTGAACACCCCCATGCTGAGCAGC[T>A]GGGTCAGGACAGCACCATCCACCTCCCCCAGAAATCTTCCCGTCTGTGAGAGAGGGACAG-3'
Protein context (NP_758952.4, residues 912-932): LGEVDGAVLT[Gln922Leu]LLSMGVFSQV

ClinVar aggregate classification (germline): Uncertain significance (1 of 4 stars; one submission).

Submission:

Labcorp Genetics (formerly Invitae), Labcorp
Classification: Uncertain significance. Last evaluated: 2025-02-20. Review status: criteria provided, single submitter. Criteria: Invitae Variant Classification Sherloc (09022015). Collection method: clinical testing. Allele origin: germline.
Comment: This sequence change replaces glutamine, which is neutral and polar, with leucine, which is neutral and non-polar, at codon 922 of the CACNA2D4 protein (p.Gln922Leu). This variant is not present in population databases (gnomAD no frequency). This variant has not been reported in the literature in individuals affected with CACNA2D4-related conditions. An algorithm developed to predict the effect of missense changes on protein structure and function (PolyPhen-2) suggests that this variant is likely to be tolerated. In summary, the available evidence is currently insufficient to determine the role of this variant in disease. Therefore, it has been classified as a Variant of Uncertain Significance.